The following is an entry in ClinVar:

NM_001005242.3(PKP2):c.2362G>T (p.Ala788Ser)

Gene: PKP2 (plakophilin 2; minus strand). Cytogenetic location: 12p11.21.
Variant type: single nucleotide variant.
Coding change: c.2362G>T on transcript NM_001005242.3 (MANE Select); coding-DNA position 2362, G replaced by T.
Protein change: p.Ala788Ser; replaces alanine 788 with serine.
Molecular consequence: missense variant.
Genome position (GRCh38, 1-based): chr12:32,792,727, C>A on the plus strand (G>T on the coding strand, the complement: PKP2 is on the minus strand). VCF-style: chr12-32792727-C-A. GRCh37 (hg19) VCF-style: chr12-32945661-C-A.
Other names: c.2494G>T (NM_004572.3); c.2494G>T, p.Ala832Ser (NM_004572.4); short protein forms A788S, A832S.
Identifiers: ClinVar variation 1017469 (VCV001017469.11), dbSNP rs1956082270, ClinGen allele CA384357027.

ClinVar aggregate classification (germline): Conflicting classifications of pathogenicity. Review status: criteria provided, conflicting classifications (1 of 4 stars). 3 submissions from 3 submitters: Uncertain significance (2); Likely benign (1). Last evaluated 2026-01-14.

Conditions:
Cardiovascular phenotype. Identifiers: MedGen CN230736.
Cardiomyopathy (CMYO). Also called: Cardiomyopathies. Identifiers: Orphanet 167848, MedGen C0878544, MONDO:0004994, HP:0001638. Inheritance: Various modes of inheritance.
Arrhythmogenic right ventricular dysplasia 9 (ARVD9). Also called: ARRHYTHMOGENIC RIGHT VENTRICULAR DYSPLASIA, FAMILIAL, 9; Arrhythmogenic Right Ventricular Dysplasia/Cardiomyopathy 9. Identifiers: MedGen C1836906, MONDO:0012180, OMIM 609040.

Submissions (3):

Ambry Genetics
Classification: Uncertain significance for Cardiovascular phenotype. Last evaluated: 2026-01-14. Review status: criteria provided, single submitter. Criteria: Ambry Variant Classification Scheme 2023. Collection method: clinical testing. Allele origin: germline.

Color Diagnostics, LLC DBA Color Health
Classification: Likely benign for Cardiomyopathy. Last evaluated: 2025-09-13. Review status: criteria provided, single submitter. Criteria: ACMG Guidelines, 2015. Collection method: clinical testing. Allele origin: germline.

Labcorp Genetics (formerly Invitae), Labcorp
Classification: Uncertain significance for Arrhythmogenic right ventricular dysplasia 9. Last evaluated: 2023-07-21. Review status: criteria provided, single submitter. Criteria: Invitae Variant Classification Sherloc (09022015). Collection method: clinical testing. Allele origin: germline.
Comment: This sequence change replaces alanine, which is neutral and non-polar, with serine, which is neutral and polar, at codon 832 of the PKP2 protein (p.Ala832Ser). This variant is not present in population databases (gnomAD no frequency). This variant has not been reported in the literature in individuals affected with PKP2-related conditions. ClinVar contains an entry for this variant (Variation ID: 1017469). Algorithms developed to predict the effect of missense changes on protein structure and function output the following: SIFT: "Not Available"; PolyPhen-2: "Benign"; Align-GVGD: "Not Available". The serine amino acid residue is found in multiple mammalian species, which suggests that this missense change does not adversely affect protein function. In summary, the available evidence is currently insufficient to determine the role of this variant in disease. Therefore, it has been classified as a Variant of Uncertain Significance.